The following is an entry in ClinVar:

NM_000052.7(ATP7A):c.3663G>C (p.Glu1221Asp)

Gene: ATP7A (ATPase copper transporting alpha; plus strand). Cytogenetic location: Xq21.1.
Variant type: single nucleotide variant.
Coding change: c.3663G>C on transcript NM_000052.7 (MANE Select); coding-DNA position 3663, G replaced by C.
Protein change: p.Glu1221Asp; replaces glutamic acid 1221 with aspartic acid.
Molecular consequence: missense variant. On other transcripts: non-coding transcript variant (1).
Genome position (GRCh38, 1-based): chrX:78,040,595, G>C. VCF-style: chrX-78040595-G-C. GRCh37 (hg19) VCF-style: chrX-77296093-G-C.
Other names: c.3429G>C, p.Glu1143Asp (NM_001282224.2); short protein forms E1221D, E1143D.
Identifiers: ClinVar variation 4789452 (VCV004789452.1).

ClinVar aggregate classification (germline): Uncertain significance (1 of 4 stars; one submission).

Conditions:
Menkes kinky-hair syndrome (MNK). Also called: Menkes Disease; Copper transport disease; Classic Menkes Disease. Identifiers: Orphanet 565, MedGen C0022716, MONDO:0010651, OMIM 309400.
Cutis laxa, X-linked (OHS). Also called: EDS IX; Occipital horn syndrome. Identifiers: Orphanet 198, MedGen C0268353, MONDO:0010572, OMIM 304150.
X-linked distal spinal muscular atrophy type 3. Also called: ATP7A-Related Distal Motor Neuropathy; SPINAL MUSCULAR ATROPHY, DISTAL, X-LINKED RECESSIVE; NEURONOPATHY, DISTAL HEREDITARY MOTOR, X-LINKED; NEUROPATHY, DISTAL HEREDITARY MOTOR, X-LINKED. Identifiers: Orphanet 139557, MedGen C1845359, MONDO:0010338, OMIM 300489.

Submission:

Labcorp Genetics (formerly Invitae), Labcorp
Classification: Uncertain significance for X-linked distal spinal muscular atrophy type 3; Cutis laxa, X-linked; Menkes kinky-hair syndrome. Last evaluated: 2025-09-22. Review status: criteria provided, single submitter. Criteria: Invitae Variant Classification Sherloc (09022015). Collection method: clinical testing. Allele origin: germline.
Comment: This sequence change replaces glutamic acid, which is acidic and polar, with aspartic acid, which is acidic and polar, at codon 1221 of the ATP7A protein (p.Glu1221Asp). This variant is not present in population databases (gnomAD no frequency). This variant has not been reported in the literature in individuals affected with ATP7A-related conditions. Invitae Evidence Modeling of protein sequence and biophysical properties (such as structural, functional, and spatial information, amino acid conservation, physicochemical variation, residue mobility, and thermodynamic stability) indicates that this missense variant is not expected to disrupt ATP7A protein function with a negative predictive value of 95%. In summary, the available evidence is currently insufficient to determine the role of this variant in disease. Therefore, it has been classified as a Variant of Uncertain Significance.